The following is an entry in ClinVar:

ClinVar aggregate classification (germline): Benign/Likely benign. Review status: criteria provided, multiple submitters, no conflicts (2 of 4 stars). 5 submissions from 4 submitters: Benign (1); Likely benign (4). Last evaluated 2025-11-25.

Conditions:
Warburg micro syndrome 2 (WARBM2). Also called: MICRO SYNDROME 2. Identifiers: Orphanet 2510, MedGen C3280214, MONDO:0013641, OMIM 614225.
Martsolf syndrome (MARTS). Also called: Congenital cataract with intellectual disability and hypogonadotropic hypogonadism syndrome. Identifiers: Orphanet 1387, MedGen C0796037, MONDO:0023910.

Allele frequency attached by ClinVar (database versions not stated): TOPMed 0.00025; 1000 Genomes Project 30x 0.00031; gnomAD 0.00038; 1000 Genomes Project 0.00040; gnomAD exomes 0.00085; ExAC 0.00098.
gnomAD v4.1: 819 of 1,612,078 alleles (0.051%); highest among the groups gnomAD compares: South Asian, 0.43%; 10 homozygotes.

Submissions (5):

Labcorp Genetics (formerly Invitae), Labcorp
Classification: Benign for Martsolf syndrome; Warburg micro syndrome 2. Last evaluated: 2025-11-25. Review status: criteria provided, single submitter. Criteria: Invitae Variant Classification Sherloc (09022015). Collection method: clinical testing. Allele origin: germline.

Illumina Laboratory Services, Illumina
Classification: Likely benign for Martsolf syndrome 1. Last evaluated: 2018-01-13. Review status: criteria provided, single submitter. Criteria: ICSL Variant Classification Criteria 13 December 2019. Collection method: clinical testing. Allele origin: germline.
Comment: This variant was observed in the ICSL laboratory as part of a predisposition screen in an ostensibly healthy population. It had not been previously curated by ICSL or reported in the Human Gene Mutation Database (HGMD: prior to June 1st, 2018), and was therefore a candidate for classification through an automated scoring system. Utilizing variant allele frequency, disease prevalence and penetrance estimates, and inheritance mode, an automated score was calculated to assess if this variant is too frequent to cause the disease. Based on the score and internal cut-off values, a variant classified as likely benign is not then subjected to further curation. The score for this variant resulted in a classification of likely benign for this disease.

Illumina Laboratory Services, Illumina
Classification: Likely benign for Warburg micro syndrome 2. Last evaluated: 2018-01-13. Review status: criteria provided, single submitter. Criteria: ICSL Variant Classification Criteria 13 December 2019. Collection method: clinical testing. Allele origin: germline.
Comment: the same text as in the submission from Illumina Laboratory Services, Illumina above.

GeneDx
Classification: Likely benign. Last evaluated: 2018-01-03. Review status: criteria provided, single submitter. Criteria: GeneDx Variant Classification (06012015). Collection method: clinical testing. Allele origin: germline. Affected: yes.
Comment: This variant is considered likely benign or benign based on one or more of the following criteria: it is a conservative change, it occurs at a poorly conserved position in the protein, it is predicted to be benign by multiple in silico algorithms, and/or has population frequency not consistent with disease.

Breakthrough Genomics
Classification: Likely benign. Review status: criteria provided, single submitter. Criteria: ACMG Guidelines, 2015. Collection method: not provided. Allele origin: germline. Inheritance: Autosomal recessive inheritance. Affected: yes.

NM_012414.4(RAB3GAP2):c.2807-15G>A

Gene: RAB3GAP2 (RAB3 GTPase activating non-catalytic protein subunit 2; minus strand). Cytogenetic location: 1q41.
Variant type: single nucleotide variant.
Coding change: c.2807-15G>A on transcript NM_012414.4 (MANE Select); 15 bases into the intron before coding-DNA position 2807, G replaced by A.
Molecular consequence: intron variant.
Genome position (GRCh38, 1-based): chr1:220,167,690, C>T on the plus strand (G>A on the coding strand, the complement: RAB3GAP2 is on the minus strand). VCF-style: chr1-220167690-C-T. GRCh37 (hg19) VCF-style: chr1-220341032-C-T.
Identifiers: ClinVar variation 295645 (VCV000295645.13), dbSNP rs200407685, ClinGen allele CA1402333.